The following is an entry in ClinVar:

ClinVar aggregate classification (germline): Uncertain significance (1 of 4 stars; one submission).

Conditions:
RASopathy. Also called: Noonan spectrum disorder; rasopathies. Identifiers: Orphanet 536391, MedGen C5555857, MONDO:0021060.

Submission:

Labcorp Genetics (formerly Invitae), Labcorp
Classification: Uncertain significance for RASopathy. Last evaluated: 2024-06-22. Review status: criteria provided, single submitter. Criteria: Invitae Variant Classification Sherloc (09022015). Collection method: clinical testing. Allele origin: germline.
Comment: This sequence change replaces histidine, which is basic and polar, with arginine, which is basic and polar, at codon 353 of the BRAF protein (p.His353Arg). This variant is not present in population databases (gnomAD no frequency). This variant has not been reported in the literature in individuals affected with BRAF-related conditions. ClinVar contains an entry for this variant (Variation ID: 863508). Advanced modeling performed at Invitae incorporating data from internal and/or published experimental studies (Invitae) indicates that this missense variant is not expected to disrupt BRAF function with a negative predictive value of 95%. In summary, the available evidence is currently insufficient to determine the role of this variant in disease. Therefore, it has been classified as a Variant of Uncertain Significance.

NM_004333.6(BRAF):c.1058A>G (p.His353Arg)

Genes: BRAF (B-Raf proto-oncogene, serine/threonine kinase; minus strand), LOC126860202 (BRD4-independent group 4 enhancer GRCh37_chr7:140493623-140494822; plus strand). Cytogenetic location: 7q34.
Variant type: single nucleotide variant.
Coding change: c.1058A>G on transcript NM_004333.6 (MANE Select); coding-DNA position 1058, A replaced by G.
Protein change: p.His353Arg; replaces histidine 353 with arginine.
Molecular consequence: missense variant.
Genome position (GRCh38, 1-based): chr7:140,794,390, T>C on the plus strand (A>G on the coding strand, the complement: BRAF is on the minus strand). VCF-style: chr7-140794390-T-C. GRCh37 (hg19) VCF-style: chr7-140494190-T-C.
Other names: c.1058A>G, p.His353Arg (NM_001354609.2, NM_001374244.1, NM_001374258.1 and 4 more transcripts); c.1067A>G, p.His356Arg (NM_001378467.1); c.956A>G, p.His319Arg (NM_001378470.1); c.902A>G, p.His301Arg (NM_001378472.1, NM_001378473.1); c.794A>G, p.His265Arg (NM_001378475.1); short protein forms H319R, H353R, H356R, H265R, H301R.
Identifiers: ClinVar variation 863508 (VCV000863508.9), dbSNP rs1802306841, ClinGen allele CA369589854.
Genomic context (GRCh38, chr7:140,794,390, plus strand): 5'-GTGTTTATATGCACATTGGGAGCTGATGAGGATCGGTCTCGTTGCCCAAATTGATTTCGA[T>C]GATCTTCATCTGCTGGTCGGAAGGGCTGTGGAATTGGAATGGATTTTGAAGGAGACGGAC-3'
Protein context (NP_004324.2, residues 343-363): PQPFRPADED[His353Arg]RNQFGQRDRS